The following is an entry in ClinVar:

NM_000334.4(SCN4A):c.3835A>G (p.Ile1279Val)

Genes: GH-LCR (growth hormone locus control region; plus strand), SCN4A (sodium voltage-gated channel alpha subunit 4; minus strand). Cytogenetic location: 17q23.3.
Variant type: single nucleotide variant.
Coding change: c.3835A>G on transcript NM_000334.4 (MANE Select); coding-DNA position 3835, A replaced by G.
Protein change: p.Ile1279Val; replaces isoleucine 1279 with valine.
Molecular consequence: missense variant.
Genome position (GRCh38, 1-based): chr17:63,944,750, T>C on the plus strand (A>G on the coding strand, the complement: SCN4A is on the minus strand). VCF-style: chr17-63944750-T-C. GRCh37 (hg19) VCF-style: chr17-62022110-T-C.
Other names: short protein forms I1279V.
Identifiers: ClinVar variation 423775 (VCV000423775.16), dbSNP rs367610608, ClinGen allele CA8709130.

ClinVar aggregate classification (germline): Uncertain significance. Review status: criteria provided, multiple submitters, no conflicts (2 of 4 stars). 5 submissions from 5 submitters: Uncertain significance (5). Last evaluated 2025-02-03.

Conditions:
Inborn genetic diseases. Identifiers: MedGen C0950123, MeSH D030342.
Hyperkalemic periodic paralysis. Also called: Familial hyperkalemic periodic paralysis; Gamstorp disease. Identifiers: Orphanet 682, MedGen C0238357, MONDO:0008224, OMIM 170500, HP:0007215.
Hypokalemic periodic paralysis, type 1. Also called: Hypokalemic Periodic Paralysis Type 1 (AD); HypoPP. Identifiers: Orphanet 681, MedGen C3714580, MONDO:0042979, OMIM 170400.
Hypokalemic periodic paralysis, type 2 (HOKPP2). Identifiers: Orphanet 681, MedGen C2750061, MONDO:0013234, OMIM 613345.
Potassium-aggravated myotonia. Also called: MYOTONIA CONGENITA, ACETAZOLAMIDE-RESPONSIVE; MYOTONIA CONGENITA, ATYPICAL; SODIUM CHANNEL MUSCLE DISEASE; Myotonia congenita, atypical, acetazolamide-responsive. Identifiers: Orphanet 612, Orphanet 99734, Orphanet 99735, Orphanet 99736, MedGen C2931826, MONDO:0018959, OMIM 608390.
Congenital myasthenic syndrome 16. Identifiers: Orphanet 590, MedGen C3280112, MONDO:0013620, OMIM 614198.
Paramyotonia congenita of Von Eulenburg. Also called: Paramyotonia Congenita; Eulenburg disease; Myotonia congenita intermittens; Von Eulenburg paramyotonia congenita; PARALYSIS PERIODICA PARAMYOTONICA. Identifiers: Orphanet 684, MedGen C0221055, MONDO:0008195, OMIM 168300. Disease mechanism: loss of function.

Allele frequency attached by ClinVar (database versions not stated): gnomAD exomes 0.00003 and 0.00002; ESP Exome Variant Server 0.00008; gnomAD 0.00003 and 0.00004; TOPMed 0.00003; ExAC 0.00003.
gnomAD v4.1: 38 of 1,613,712 alleles (0.0024%); highest among the groups gnomAD compares: Non-Finnish European, 0.0029%; no homozygotes.

Submissions (5):

Labcorp Genetics (formerly Invitae), Labcorp
Classification: Uncertain significance for Hyperkalemic periodic paralysis. Last evaluated: 2025-02-03. Review status: criteria provided, single submitter. Criteria: Invitae Variant Classification Sherloc (09022015). Collection method: clinical testing. Allele origin: germline.
Comment: This sequence change replaces isoleucine, which is neutral and non-polar, with valine, which is neutral and non-polar, at codon 1279 of the SCN4A protein (p.Ile1279Val). This variant is present in population databases (rs367610608, gnomAD 0.006%). This variant has not been reported in the literature in individuals affected with SCN4A-related conditions. ClinVar contains an entry for this variant (Variation ID: 423775). Invitae Evidence Modeling of protein sequence and biophysical properties (such as structural, functional, and spatial information, amino acid conservation, physicochemical variation, residue mobility, and thermodynamic stability) indicates that this missense variant is expected to disrupt SCN4A protein function with a positive predictive value of 80%. In summary, the available evidence is currently insufficient to determine the role of this variant in disease. Therefore, it has been classified as a Variant of Uncertain Significance.

Fulgent Genetics
Classification: Uncertain significance for Paramyotonia congenita of Von Eulenburg; Hypokalemic periodic paralysis, type 1; Hyperkalemic periodic paralysis; Potassium-aggravated myotonia; Hypokalemic periodic paralysis, type 2; Congenital myasthenic syndrome 16. Last evaluated: 2022-04-12. Review status: criteria provided, single submitter. Criteria: ACMG Guidelines, 2015. Collection method: clinical testing. Allele origin: unknown.

Ambry Genetics
Classification: Uncertain significance for Inborn genetic diseases. Last evaluated: 2021-07-20. Review status: criteria provided, single submitter. Criteria: Ambry Variant Classification Scheme 2023. Collection method: clinical testing. Allele origin: germline.

GeneDx
Classification: Uncertain significance. Last evaluated: 2021-03-05. Review status: criteria provided, single submitter. Criteria: GeneDx Variant Classification Process June 2021. Collection method: clinical testing. Allele origin: germline. Affected: yes.
Comment: In silico analysis supports that this missense variant does not alter protein structure/function; Has not been previously published as pathogenic or benign to our knowledge

Revvity Omics, Revvity
Classification: Uncertain significance. Last evaluated: 2021-01-14. Review status: criteria provided, single submitter. Criteria: ACMG Guidelines, 2015. Collection method: clinical testing. Allele origin: germline.